The following is an entry in ClinVar:

NM_001256789.3(CACNA1F):c.5488C>T (p.Pro1830Ser)

Gene: CACNA1F (calcium voltage-gated channel subunit alpha1 F; minus strand). Cytogenetic location: Xp11.23.
Variant type: single nucleotide variant.
Coding change: c.5488C>T on transcript NM_001256789.3 (MANE Select); coding-DNA position 5488, C replaced by T.
Protein change: p.Pro1830Ser; replaces proline 1830 with serine.
Molecular consequence: missense variant.
Genome position (GRCh38, 1-based): chrX:49,205,798, G>A on the plus strand (C>T on the coding strand, the complement: CACNA1F is on the minus strand). VCF-style: chrX-49205798-G-A. GRCh37 (hg19) VCF-style: chrX-49062258-G-A.
Other names: c.5326C>T, p.Pro1776Ser (NM_001256790.3); c.5521C>T, p.Pro1841Ser (NM_005183.4); short protein forms P1830S, P1841S, P1776S.
Identifiers: ClinVar variation 4977797 (VCV004977797.1).

ClinVar aggregate classification (germline): Uncertain significance (1 of 4 stars; one submission).

Conditions:
CACNA1F-related disorder. Also called: CACNA1F-related condition.

Submission:

PreventionGenetics, part of Exact Sciences
Classification: Uncertain significance for CACNA1F-related condition. Last evaluated: 2025-12-23. Review status: criteria provided, single submitter. Criteria: ACMG Guidelines, 2015. Collection method: clinical testing. Allele origin: germline.
Comment: The CACNA1F c.5521C>T variant is predicted to result in the amino acid substitution p.Pro1841Ser. To our knowledge, this variant has not been reported in the literature or in a large population database (gnomAD), indicating this variant is rare. At this time, the clinical significance of this variant is uncertain due to the absence of conclusive functional and genetic evidence.